The following is an entry in ClinVar:

NM_182961.4(SYNE1):c.16094C>T (p.Thr5365Ile)

Gene: SYNE1 (spectrin repeat containing nuclear envelope protein 1; minus strand). Cytogenetic location: 6q25.2.
Variant type: single nucleotide variant.
Coding change: c.16094C>T on transcript NM_182961.4 (MANE Select); coding-DNA position 16094, C replaced by T.
Protein change: p.Thr5365Ile; replaces threonine 5365 with isoleucine.
Molecular consequence: missense variant.
Genome position (GRCh38, 1-based): chr6:152,321,380, G>A on the plus strand (C>T on the coding strand, the complement: SYNE1 is on the minus strand). VCF-style: chr6-152321380-G-A. GRCh37 (hg19) VCF-style: chr6-152642515-G-A.
Other names: c.15881C>T, p.Thr5294Ile (NM_033071.5); short protein forms T5294I, T5365I.
Identifiers: ClinVar variation 1363489 (VCV001363489.6), dbSNP rs1273141730, ClinGen allele CA366117379.

ClinVar aggregate classification (germline): Uncertain significance (1 of 4 stars; one submission).

Conditions:
Autosomal recessive ataxia, Beauce type. Also called: SYNE1-Related Autosomal Recessive Cerebellar Ataxia; SYNE1 Deficiency; Spinocerebellar ataxia, autosomal recessive 8; ATAXIA, RECESSIVE, OF BEAUCE. Identifiers: Orphanet 88644, MedGen C1853116, MONDO:0012549, OMIM 610743.
Emery-Dreifuss muscular dystrophy 4, autosomal dominant (EDMD4). Also called: EMERY-DREIFUSS MUSCULAR DYSTROPHY 4 WITH VARIABLE FEATURES. Identifiers: Orphanet 261, MedGen C2751807, MONDO:0013071, OMIM 612998.

Allele frequency attached by ClinVar (database versions not stated): gnomAD exomes 0.00001 and 0.00004; gnomAD 0.00005; TOPMed 0.00006.
gnomAD v4.1: 19 of 1,613,606 alleles (0.0012%); highest among the groups gnomAD compares: Admixed American, 0.03%; no homozygotes.

Submission:

Labcorp Genetics (formerly Invitae), Labcorp
Classification: Uncertain significance for Emery-Dreifuss muscular dystrophy 4, autosomal dominant; Autosomal recessive ataxia, Beauce type. Last evaluated: 2021-08-07. Review status: criteria provided, single submitter. Criteria: Invitae Variant Classification Sherloc (09022015). Collection method: clinical testing. Allele origin: germline.
Comment: In summary, the available evidence is currently insufficient to determine the role of this variant in disease. Therefore, it has been classified as a Variant of Uncertain Significance. Algorithms developed to predict the effect of missense changes on protein structure and function are either unavailable or do not agree on the potential impact of this missense change (SIFT: "Deleterious"; PolyPhen-2: "Benign"; Align-GVGD: "Class C0"). This variant has not been reported in the literature in individuals affected with SYNE1-related conditions. This variant is not present in population databases (ExAC no frequency). This sequence change replaces threonine with isoleucine at codon 5294 of the SYNE1 protein (p.Thr5294Ile). The threonine residue is moderately conserved and there is a moderate physicochemical difference between threonine and isoleucine.